The following is an entry in ClinVar:

NM_001378454.1(ALMS1):c.6031T>C (p.Phe2011Leu)

Gene: ALMS1 (ALMS1 centrosome and basal body associated protein; plus strand). Cytogenetic location: 2p13.1.
Variant type: single nucleotide variant.
Coding change: c.6031T>C on transcript NM_001378454.1 (MANE Select); coding-DNA position 6031, T replaced by C.
Protein change: p.Phe2011Leu; replaces phenylalanine 2011 with leucine.
Molecular consequence: missense variant.
Genome position (GRCh38, 1-based): chr2:73,452,558, T>C. VCF-style: chr2-73452558-T-C. GRCh37 (hg19) VCF-style: chr2-73679685-T-C.
Other names: c.6034T>C, p.Phe2012Leu (NM_015120.4); short protein forms F2011L, F2012L.
Identifiers: ClinVar variation 3372505 (VCV003372505.1).

ClinVar aggregate classification (germline): Uncertain significance (1 of 4 stars; one submission).

gnomAD v4.1: 39 of 1,613,632 alleles (0.0024%); highest among the groups gnomAD compares: Non-Finnish European, 0.0032%; no homozygotes.

Submission:

GeneDx
Classification: Uncertain significance. Last evaluated: 2024-04-17. Review status: criteria provided, single submitter. Criteria: GeneDx Variant Classification Process June 2021. Collection method: clinical testing. Allele origin: germline. Affected: yes.
Comment: Not observed at significant frequency in large population cohorts (gnomAD); In silico analysis indicates that this missense variant does not alter protein structure/function; Has not been previously published as pathogenic or benign to our knowledge